The following is an entry in ClinVar:

NM_006158.5(NEFL):c.193A>G (p.Met65Val)

Gene: NEFL (neurofilament light chain; minus strand). Cytogenetic location: 8p21.2.
Variant type: single nucleotide variant.
Coding change: c.193A>G on transcript NM_006158.5 (MANE Select); coding-DNA position 193, A replaced by G.
Protein change: p.Met65Val; replaces methionine 65 with valine.
Molecular consequence: missense variant.
Genome position (GRCh38, 1-based): chr8:24,956,323, T>C on the plus strand (A>G on the coding strand, the complement: NEFL is on the minus strand). VCF-style: chr8-24956323-T-C. GRCh37 (hg19) VCF-style: chr8-24813837-T-C.
Other names: c.193A>G (NM_006158.3); short protein forms M65V.
Identifiers: ClinVar variation 2176883 (VCV002176883.6), dbSNP rs1184499204, ClinGen allele CA370623241.

ClinVar aggregate classification (germline): Uncertain significance. Review status: criteria provided, multiple submitters, no conflicts (2 of 4 stars). 3 submissions from 3 submitters: Uncertain significance (3). Last evaluated 2024-12-19.

Conditions:
Inborn genetic diseases. Identifiers: MedGen C0950123, MeSH D030342.
Charcot-Marie-Tooth disease type 2E (CMT2E). Also called: CHARCOT-MARIE-TOOTH DISEASE, AXONAL, TYPE 2E; CHARCOT-MARIE-TOOTH NEUROPATHY, TYPE 2E. Identifiers: Orphanet 99939, MedGen C1843225, MONDO:0011894, OMIM 607684.

Allele frequency attached by ClinVar (database versions not stated): TOPMed below 0.00001.

Submissions (3):

ARUP Laboratories, Molecular Genetics and Genomics, ARUP Laboratories
Classification: Uncertain significance. Last evaluated: 2024-12-19. Review status: criteria provided, single submitter. Criteria: ARUP Molecular Germline Variant Investigation Process 2024. Collection method: clinical testing. Allele origin: germline.
Comment: The NEFL c.193A>G; p.Met65Val variant (rs1184499204), to our knowledge, is not reported in the medical literature but is reported in ClinVar (Variation ID: 2176883). This variant is also absent from the Genome Aggregation Database (v2.1.1), indicating it is not a common polymorphism. The methionine at codon 65 is moderately conserved, and computational analyses (SIFT, PolyPhen-2) predict that this variant is tolerated. Due to limited information, the clinical significance of this variant is uncertain at this time.

Ambry Genetics
Classification: Uncertain significance for Inborn genetic diseases. Last evaluated: 2023-09-20. Review status: criteria provided, single submitter. Criteria: Ambry Variant Classification Scheme 2023. Collection method: clinical testing. Allele origin: germline.

Labcorp Genetics (formerly Invitae), Labcorp
Classification: Uncertain significance for Charcot-Marie-Tooth disease type 2E. Last evaluated: 2023-04-14. Review status: criteria provided, single submitter. Criteria: Invitae Variant Classification Sherloc (09022015). Collection method: clinical testing. Allele origin: germline.
Comment: In summary, the available evidence is currently insufficient to determine the role of this variant in disease. Therefore, it has been classified as a Variant of Uncertain Significance. Advanced modeling of protein sequence and biophysical properties (such as structural, functional, and spatial information, amino acid conservation, physicochemical variation, residue mobility, and thermodynamic stability) performed at Invitae indicates that this missense variant is not expected to disrupt NEFL protein function. ClinVar contains an entry for this variant (Variation ID: 2176883). This variant has not been reported in the literature in individuals affected with NEFL-related conditions. This variant is not present in population databases (gnomAD no frequency). This sequence change replaces methionine, which is neutral and non-polar, with valine, which is neutral and non-polar, at codon 65 of the NEFL protein (p.Met65Val).